The following is an entry in ClinVar:

ClinVar aggregate classification (germline): Pathogenic/Likely pathogenic. Review status: criteria provided, multiple submitters, no conflicts (2 of 4 stars). 14 submissions from 13 submitters: Pathogenic (11); Likely pathogenic (1). 2 of the submissions do not count toward it. Last evaluated 2026-03-30.

Conditions:
SPTA1-related disorder. Also called: SPTA1-related condition; SPTA1-related disorders.
Prenatal anemia.
Hereditary spherocytosis type 3. Also called: SPTA1-Related Spherocytosis; Spherocytosis type 3. Identifiers: Orphanet 822, MedGen C2678338, MONDO:0010053, OMIM 270970.
Pyropoikilocytosis, hereditary. Also called: Pyropoikilocytosis. Identifiers: MedGen C0520739, MONDO:0009948, OMIM 266140, HP:0004839. Disease mechanism: loss of function.
Elliptocytosis 2 (EL2). Also called: ELLIPTOCYTOSIS, RHESUS-UNLINKED TYPE. Identifiers: Orphanet 288, MedGen C1851741, MONDO:0007533, OMIM 130600.

Allele frequency attached by ClinVar (database versions not stated): ExAC 0.00002; TOPMed 0.00006; 1000 Genomes Project 30x 0.00031; 1000 Genomes Project 0.00040.
gnomAD v4.1: 18 of 1,613,892 alleles (0.0011%); highest among the groups gnomAD compares: African/African-American, 0.017%; no homozygotes.

Submissions 1 to 8 of 14:

PreventionGenetics, part of Exact Sciences
Classification: Pathogenic for SPTA1-related condition. Last evaluated: 2026-03-30. Review status: criteria provided, single submitter. Criteria: ACMG Guidelines, 2015. Collection method: clinical testing. Allele origin: germline.
Comment: The SPTA1 c.83G>A variant is predicted to result in the amino acid substitution p.Arg28His. This variant along with other missense changes at the same amino acid position (p.Arg28Leu and p.Arg28Cys) have been shown to be causative for hereditary elliptocytosis in the heterozygous state (Garbarz et al. 1990. PubMed ID: 2328319; Coetzer et al. 1991. PubMed ID: 1679439). In vitro functional analysis demonstrated the p.Arg28His variant abolished protein tetramerization capabilities (Gaetani et al. 2008. PubMed ID: 18218854). This variant is reported in 0.029% of alleles in individuals of African descent in gnomAD and is classified as likely pathogenic or pathogenic in ClinVar (Variation ID: 12856). This variant is interpreted as pathogenic.

Mayo Clinic Laboratories, Mayo Clinic
Classification: Pathogenic. Last evaluated: 2025-11-24. Review status: criteria provided, single submitter. Criteria: ACMG Guidelines, 2015. Collection method: clinical testing. Allele origin: germline. Observed: 41 variant alleles.

Labcorp Genetics (formerly Invitae), Labcorp
Classification: Pathogenic. Last evaluated: 2025-10-28. Review status: criteria provided, single submitter. Criteria: Invitae Variant Classification Sherloc (09022015). Collection method: clinical testing. Allele origin: germline.
Comment: This sequence change replaces arginine, which is basic and polar, with histidine, which is basic and polar, at codon 28 of the SPTA1 protein (p.Arg28His). This variant is present in population databases (rs121918641, gnomAD 0.02%). This missense change has been observed in individual(s) with elliptocytosis and/or pyropoikilocytosis (PMID: 1679439, 2328319). It has also been observed to segregate with disease in related individuals. This variant is also known as p.Arg22His. ClinVar contains an entry for this variant (Variation ID: 12856). Invitae Evidence Modeling of protein sequence and biophysical properties (such as structural, functional, and spatial information, amino acid conservation, physicochemical variation, residue mobility, and thermodynamic stability) has been performed for this missense variant. However, the output from this modeling did not meet the statistical confidence thresholds required to predict the impact of this variant on SPTA1 protein function. Experimental studies have shown that this missense change affects SPTA1 function (PMID: 18218854). This variant disrupts the p.Arg28 amino acid residue in SPTA1. Other variant(s) that disrupt this residue have been determined to be pathogenic (PMID: 1679439, 18218854, 28090778, 29729090, 31286676). This suggests that this residue is clinically significant, and that variants that disrupt this residue are likely to be disease-causing. For these reasons, this variant has been classified as Pathogenic.

ARUP Laboratories, Molecular Genetics and Genomics, ARUP Laboratories
Classification: Pathogenic. Last evaluated: 2025-04-21. Review status: criteria provided, single submitter. Criteria: ARUP Molecular Germline Variant Investigation Process 2024. Collection method: clinical testing. Allele origin: germline.
Comment: The SPTA1 c.83G>A; p.Arg28His variant (rs121918641, ClinVar variation ID: 12856), also known as p.Arg22His, is reported in the literature to co-segregate with elliptocytosis and pyropoikilocytosis (Anil More 2022, Baklouti 1991, Coetzer 1991, Garbarz 1990). In individuals with pyropoikilocytosis, this variant has been found on the opposite chromosome from the complex alpha-LELY allele (Baklouti 1991, Gibson 2022, SÃ¡nchez Villalobos 2022). In vitro functional analyses show this variant abrogates spectrin tetramerization (Gaetani 2008). This variant is only observed on eight alleles in the Genome Aggregation Database (v2.1.1), indicating it is not a common polymorphism. Additionally, other amino acid substitutions at this codon (p.Arg28Leu, p.Arg28Ser, and p.Arg28Cys) have been reported in individuals with elliptocytosis and are considered pathogenic (Coetzer 1991, Floyd 1991). Computational analyses are uncertain whether this variant is neutral or deleterious (REVEL: 0.419). Based on available information, this variant is considered to be pathogenic. References: Anil More T et al. Unravelling the genetic and phenotypic heterogeneity of SPTA1 gene variants in Hereditary Elliptocytosis and Hereditary Pyropoikilocytosis patients using next-generation sequencing. Gene. 2022 Nov 15. PMID: 35961434. Baklouti F et al. Occurrence of the alpha I 22 Arg----His (CGT----CAT) spectrin mutation in Tunisia: potential association with severe elliptopoikilocytosis. Br J Haematol. 1991 May. PMID: 2043465. Coetzer TL et al. Four different mutations in codon 28 of alpha spectrin are associated with structurally and functionally abnormal spectrin alpha I/74 in hereditary elliptocytosis. J Clin Invest. 1991 Sep. PMID: 1679439. Floyd PB et al. Heterogeneity of the molecular basis of hereditary pyropoikilocytosis and hereditary elliptocytosis associated with increased levels of the spectrin alpha I/74-kilodalton tryptic peptide. Blood. 1991 Sep 01. PMID: 1878597. Gaetani M et al. Structural and functional effects of hereditary hemolytic anemia-associated point mutations in the alpha spectrin tetramer site. Blood. 2008 Jun 15. PMID: 18218854. Garbarz M et al. Hereditary pyropoikilocytosis and elliptocytosis in a white French family with the spectrin alpha I/74 variant related to a CGT to CAT codon change (Arg to His) at position 22 of the spectrin alpha I domain. Blood. 1990 Apr 15. PMID: 2328319. Gibson SJ et al. Insane in the membrane: A case of hereditary spherocytic pyropoikilocytosis. Am J Hematol. 2022 Oct. PMID: 35834292. SÃ¡nchez Villalobos M et al. Case Report: a-Spectrin Mutation Associated with aLELY Polymorphism Responsible for Hereditary Pyropoikilocytosis. Hematol Rep. 2022 Oct 8. PMID: 36278520.

GeneDx
Classification: Pathogenic. Last evaluated: 2025-03-26. Review status: criteria provided, single submitter. Criteria: GeneDx Variant Classification Process June 2021. Collection method: clinical testing. Allele origin: germline. Affected: yes.
Comment: Functional characterization of protein harboring the R28H variant indicates no detectable binding affinity to the beta subunit, thus abolishing tetramer formation (PMID: 18218854); In silico analysis supports that this missense variant has a deleterious effect on protein structure/function; Also known as p.R22H; This variant is associated with the following publications: (PMID: 2043465, 3692477, 28102861, 29936674, 30317022, 1679439, 7819065, 27667160, 31723846, 31038472, 33210974, 10680706, 31589614, 31694722, 33074480, 33726816, 34132406, 35961434, 37697358, 35834292, 37357001, 36278520, 37996759, 2328319, 18218854)

Johns Hopkins Genomics, Johns Hopkins University
Classification: Pathogenic for Hereditary spherocytosis type 3. Last evaluated: 2025-02-18. Review status: criteria provided, single submitter. Criteria: ACMG Guidelines, 2015. Collection method: clinical testing. Allele origin: germline.
Comment: This SPTA1 missense variant has been identified in multiple individuals with elliptocytosis and/or pyropoikilocytosis, including one large multigenerational family where it segregated with disease. This variant (rs121918641) is rare (<0.1%) in a large population dataset (gnomADv4.1.0: 18/1613892 total alleles; 0.0011%; no homozygotes) and has been reported in ClinVar (Variation ID: 12856). A single functional study demonstrates that that this amino acid substitution in the putative alpha-spectrin dimer-tetramer self-association site abolishes tetramer binding affinity. We consider SPTA1 c.83G>A to be pathogenic.

3billion
Classification: Pathogenic for Pyropoikilocytosis, hereditary. Last evaluated: 2024-11-22. Review status: criteria provided, single submitter. Criteria: ACMG Guidelines, 2015. Collection method: clinical testing. Allele origin: germline. Affected: yes.
Comment: The variant is observed at an extremely low frequency in the gnomAD v4.1.0 dataset (total allele frequency: 0.001%). Predicted Consequence/Location: Missense variant. The majority of the known disease-causing variants of this gene are variants expected to result in premature termination of the protein. Functional studies provide strong evidence of the variant having a damaging effect on the gene or gene product (PMID: 18218854). In silico tool predictions suggest damaging effect of the variant on gene or gene product [3Cnet: 0.66 (>=0.6, sensitivity 0.72 and precision 0.9)]. The same nucleotide change resulting in the same amino acid change has been previously reported as pathogenic/likely pathogenic with strong evidence (ClinVar ID: VCV000012856 /PMID: 2328319 /3billion dataset). Different missense changes at the same codon (p.Arg28Cys, p.Arg28Leu, p.Arg28Ser) have been reported as pathogenic/likely pathogenic with strong evidence (ClinVar ID: VCV000012853, VCV000012854, VCV000012855 /PMID: 1679439, 1878597). Therefore, this variant is classified as Pathogenic according to the recommendation of ACMG/AMP guideline.

Revvity Omics, Revvity
Classification: Pathogenic. Last evaluated: 2024-07-15. Review status: criteria provided, single submitter. Criteria: ACMG Guidelines, 2015. Collection method: clinical testing. Allele origin: germline.

NM_003126.4(SPTA1):c.83G>A (p.Arg28His)

Gene: SPTA1 (spectrin alpha, erythrocytic 1; minus strand). Cytogenetic location: 1q23.1.
Variant type: single nucleotide variant.
Coding change: c.83G>A on transcript NM_003126.4 (MANE Select); coding-DNA position 83, G replaced by A.
Protein change: p.Arg28His; replaces arginine 28 with histidine.
Molecular consequence: missense variant.
Genome position (GRCh38, 1-based): chr1:158,685,289, C>T on the plus strand (G>A on the coding strand, the complement: SPTA1 is on the minus strand). VCF-style: chr1-158685289-C-T. GRCh37 (hg19) VCF-style: chr1-158655079-C-T.
Other names: short protein forms R28H.
Identifiers: ClinVar variation 12856 (VCV000012856.43), dbSNP rs121918641, ClinGen allele CA122759.